The following is an entry in ClinVar:

NM_003072.5(SMARCA4):c.4635+12G>A

Gene: SMARCA4 (SWI/SNF related BAF chromatin remodeling complex subunit ATPase 4; plus strand). Cytogenetic location: 19p13.2.
Variant type: single nucleotide variant.
Coding change: c.4635+12G>A on transcript NM_003072.5 (MANE Select); 12 bases into the intron after coding-DNA position 4635, G replaced by A.
Molecular consequence: intron variant.
Genome position (GRCh38, 1-based): chr19:11,058,901, G>A. VCF-style: chr19-11058901-G-A. GRCh37 (hg19) VCF-style: chr19-11169577-G-A.
Other names: c.4635+12G>A (NM_001128844.3); c.4731+12G>A (NM_001128849.3, NM_001387283.1); c.4536+12G>A (NM_001128847.4, NM_001374457.1); c.4545+12G>A (NM_001128845.2); c.4542+12G>A (NM_001128846.2); c.4533+12G>A (NM_001128848.2).
Identifiers: ClinVar variation 328041 (VCV000328041.18), dbSNP rs34930626, ClinGen allele CA9204810.

ClinVar aggregate classification (germline): Benign/Likely benign. Review status: criteria provided, multiple submitters, no conflicts (2 of 4 stars). 7 submissions from 7 submitters: Benign (5); Likely benign (2). Last evaluated 2026-02-04.

Conditions:
Intellectual disability, autosomal dominant 16 (CSS4). Also called: COFFIN-SIRIS SYNDROME 4. Identifiers: Orphanet 1465, MedGen C3553249, MONDO:0013821, OMIM 614609.
Rhabdoid tumor predisposition syndrome 2 (RTPS2). Identifiers: Orphanet 231108, Orphanet 69077, MedGen C2750074, MONDO:0013224, OMIM 613325.
Coffin-Siris syndrome. Identifiers: Orphanet 1465, MedGen C0265338, MONDO:0015452.
Hereditary cancer-predisposing syndrome. Also called: Neoplastic Syndromes, Hereditary; Tumor predisposition; Hereditary neoplastic syndrome; Hereditary Cancer Syndrome. Identifiers: Orphanet 140162, MedGen C0027672, MeSH D009386, MONDO:0015356.

Allele frequency attached by ClinVar (database versions not stated): gnomAD exomes 0.00241; ExAC 0.00305; gnomAD 0.00935 and 0.01001; 1000 Genomes Project 30x 0.01015; 1000 Genomes Project 0.01018; ESP Exome Variant Server 0.01053; TOPMed 0.01068.
gnomAD v4.1: 2,834 of 1,608,008 alleles (0.18%); highest among the groups gnomAD compares: African/African-American, 3.4%; 49 homozygotes.

Submissions (7):

Labcorp Genetics (formerly Invitae), Labcorp
Classification: Benign for Rhabdoid tumor predisposition syndrome 2. Last evaluated: 2026-02-04. Review status: criteria provided, single submitter. Criteria: Invitae Variant Classification Sherloc (09022015). Collection method: clinical testing. Allele origin: germline.

Genome-Nilou Lab
Classification: Benign for Intellectual disability, autosomal dominant 16. Last evaluated: 2021-07-15. Review status: criteria provided, single submitter. Criteria: ACMG Guidelines, 2015. Collection method: clinical testing. Allele origin: germline. Affected: no.

Illumina Laboratory Services, Illumina
Classification: Benign for Coffin-Siris syndrome. Last evaluated: 2018-01-12. Review status: criteria provided, single submitter. Criteria: ICSL Variant Classification Criteria 13 December 2019. Collection method: clinical testing. Allele origin: germline.
Comment: This variant was observed in the ICSL laboratory as part of a predisposition screen in an ostensibly healthy population. It had not been previously curated by ICSL or reported in the Human Gene Mutation Database (HGMD: prior to June 1st, 2018), and was therefore a candidate for classification through an automated scoring system. Utilizing variant allele frequency, disease prevalence and penetrance estimates, and inheritance mode, an automated score was calculated to assess if this variant is too frequent to cause the disease. Based on the score and internal cut-off values, a variant classified as benign is not then subjected to further curation. The score for this variant resulted in a classification of benign for this disease.

Center for Pediatric Genomic Medicine, Children's Mercy Hospital and Clinics
Classification: Likely benign. Last evaluated: 2017-05-30. Review status: criteria provided, single submitter. Criteria: ACMG Guidelines, 2015. Collection method: clinical testing. Allele origin: germline.

GeneDx
Classification: Benign. Last evaluated: 2016-09-13. Review status: criteria provided, single submitter. Criteria: GeneDx Variant Classification (06012015). Collection method: clinical testing. Allele origin: germline. Affected: yes.
Comment: This variant is considered likely benign or benign based on one or more of the following criteria: it is a conservative change, it occurs at a poorly conserved position in the protein, it is predicted to be benign by multiple in silico algorithms, and/or has population frequency not consistent with disease.

Ambry Genetics
Classification: Benign for Hereditary cancer-predisposing syndrome. Last evaluated: 2015-05-20. Review status: criteria provided, single submitter. Criteria: Ambry Variant Classification Scheme 2023. Collection method: clinical testing. Allele origin: germline.

Breakthrough Genomics
Classification: Likely benign. Review status: criteria provided, single submitter. Criteria: ACMG Guidelines, 2015. Collection method: not provided. Allele origin: germline. Inheritance: Autosomal dominant inheritance. Affected: yes.